The following is an entry in ClinVar:

ClinVar aggregate classification (germline): Conflicting classifications of pathogenicity. Review status: criteria provided, conflicting classifications (1 of 4 stars). 7 submissions from 7 submitters: Uncertain significance (2); Likely benign (4). 1 of the submissions does not count toward it. Last evaluated 2026-02-03.

Conditions:
DNAJC21-related disorder. Also called: DNAJC21-related condition.
Inborn genetic diseases. Identifiers: MedGen C0950123, MeSH D030342.

Allele frequency attached by ClinVar (database versions not stated): gnomAD exomes 0.00019; ExAC 0.00026; 1000 Genomes Project 0.00080; gnomAD 0.00091 and 0.00101; ESP Exome Variant Server 0.00092; 1000 Genomes Project 30x 0.00109; TOPMed 0.00161.
gnomAD v4.1: 286 of 1,613,696 alleles (0.018%); highest among the groups gnomAD compares: African/African-American, 0.26%; 1 homozygote.

Submissions (7):

Women's Health and Genetics/Laboratory Corporation of America, LabCorp
Classification: Likely benign. Last evaluated: 2026-02-03. Review status: criteria provided, single submitter. Criteria: LabCorp Variant Classification Summary - May 2015. Collection method: clinical testing. Allele origin: germline.
Comment: Variant summary: DNAJC21 c.1261C>G (p.Gln421Glu) results in a conservative amino acid change in the encoded protein sequence. Algorithms developed to predict the effect of missense changes on protein structure and function all suggest that this variant is likely to be tolerated. The variant allele was found at a frequency of 0.00019 in 251296 control chromosomes, predominantly at a frequency of 0.0025 within the African or African-American subpopulation in the gnomAD database. The observed variant frequency within African or African-American control individuals in the gnomAD database exceeds the estimated maximal expected allele frequency for disease-causing variants in DNAJC21. To our knowledge, no occurrence of c.1261C>G in individuals affected with DNAJC21-related conditions and no experimental evidence demonstrating its impact on protein function have been reported. ClinVar contains an entry for this variant (Variation ID: 738847). Based on the evidence outlined above, the variant was classified as likely benign.

Labcorp Genetics (formerly Invitae), Labcorp
Classification: Likely benign. Last evaluated: 2025-12-17. Review status: criteria provided, single submitter. Criteria: Invitae Variant Classification Sherloc (09022015). Collection method: clinical testing. Allele origin: germline.

Ambry Genetics
Classification: Uncertain significance for Inborn genetic diseases. Last evaluated: 2025-11-03. Review status: criteria provided, single submitter. Criteria: Ambry Variant Classification Scheme 2023. Collection method: clinical testing. Allele origin: germline.

Mayo Clinic Laboratories, Mayo Clinic
Classification: Likely benign. Last evaluated: 2024-12-27. Review status: criteria provided, single submitter. Criteria: ACMG Guidelines, 2015. Collection method: clinical testing. Allele origin: germline. Observed: 1 variant allele.
Comment: BS1, BP4_moderate

Blueprint Genetics
Classification: Likely benign. Last evaluated: 2023-05-30. Review status: criteria provided, single submitter. Criteria: ACMG Guidelines, 2015. Collection method: clinical testing. Allele origin: germline.

Genetic Services Laboratory, University of Chicago
Classification: Uncertain significance. Last evaluated: 2017-07-06. Review status: criteria provided, single submitter. Criteria: ACMG Guidelines, 2015. Collection method: clinical testing. Allele origin: germline. Affected: no.

PreventionGenetics, part of Exact Sciences
Classification: Likely benign for DNAJC21-related condition. Last evaluated: 2024-02-19. Review status: no assertion criteria provided. Collection method: clinical testing. Allele origin: germline. Not counted in ClinVar's aggregate classification.
Comment: This variant is classified as likely benign based on ACMG/AMP sequence variant interpretation guidelines (Richards et al. 2015 PMID: 25741868, with internal and published modifications).

NM_001012339.3(DNAJC21):c.1261C>G (p.Gln421Glu)

Gene: DNAJC21 (DnaJ heat shock protein family (Hsp40) member C21; plus strand). Cytogenetic location: 5p13.2.
Variant type: single nucleotide variant.
Coding change: c.1261C>G on transcript NM_001012339.3 (MANE Select); coding-DNA position 1261, C replaced by G.
Protein change: p.Gln421Glu; replaces glutamine 421 with glutamic acid.
Molecular consequence: missense variant.
Genome position (GRCh38, 1-based): chr5:34,950,245, C>G. VCF-style: chr5-34950245-C-G. GRCh37 (hg19) VCF-style: chr5-34950350-C-G.
Other names: p.Gln421Glu; c.1261C>G (NM_001012339.2); c.1300C>G, p.Gln434Glu (NM_001348420.2); c.1396C>G, p.Gln466Glu (NM_194283.4); short protein forms Q434E, Q466E, Q421E.
Identifiers: ClinVar variation 738847 (VCV000738847.21), dbSNP rs146564466, ClinGen allele CA3228808.
Genomic context (GRCh38, chr5:34,950,245, plus strand): 5'-TTCAATGTAAATGGACCTGGAGAAGGAGTAAAGGTTGATCCAGAAGATACTAACTTAAAT[C>G]AAGACAGTGCCAAAGAATTGGAAGATAGTCCCCAGGAAAATGTCAGTGTCACAGAGATCA-3'
Protein context (NP_001012339.2, residues 411-431): KVDPEDTNLN[Gln421Glu]DSAKELEDSP